The following is an entry in ClinVar:

NM_001287.6(CLCN7):c.1792A>G (p.Ile598Val)

Gene: CLCN7 (Cl-/H+ antiporter 7; minus strand). Cytogenetic location: 16p13.3.
Variant type: single nucleotide variant.
Coding change: c.1792A>G on transcript NM_001287.6 (MANE Select); coding-DNA position 1792, A replaced by G.
Protein change: p.Ile598Val; replaces isoleucine 598 with valine.
Molecular consequence: missense variant.
Genome position (GRCh38, 1-based): chr16:1,448,971, T>C on the plus strand (A>G on the coding strand, the complement: CLCN7 is on the minus strand). VCF-style: chr16-1448971-T-C. GRCh37 (hg19) VCF-style: chr16-1498972-T-C.
Other names: c.1720A>G, p.Ile574Val (NM_001114331.3); short protein forms I574V, I598V.
Identifiers: ClinVar variation 4802815 (VCV004802815.1).

ClinVar aggregate classification (germline): Uncertain significance (1 of 4 stars; one submission).

gnomAD v4.1: 10 of 1,612,574 alleles (0.00062%); highest among the groups gnomAD compares: Non-Finnish European, 0.00085%; no homozygotes.

Submission:

Labcorp Genetics (formerly Invitae), Labcorp
Classification: Uncertain significance. Last evaluated: 2025-07-02. Review status: criteria provided, single submitter. Criteria: Invitae Variant Classification Sherloc (09022015). Collection method: clinical testing. Allele origin: germline.
Comment: This sequence change replaces isoleucine, which is neutral and non-polar, with valine, which is neutral and non-polar, at codon 598 of the CLCN7 protein (p.Ile598Val). This variant is not present in population databases (gnomAD no frequency). This variant has not been reported in the literature in individuals affected with CLCN7-related conditions. Invitae Evidence Modeling of protein sequence and biophysical properties (such as structural, functional, and spatial information, amino acid conservation, physicochemical variation, residue mobility, and thermodynamic stability) indicates that this missense variant is not expected to disrupt CLCN7 protein function with a negative predictive value of 95%. In summary, the available evidence is currently insufficient to determine the role of this variant in disease. Therefore, it has been classified as a Variant of Uncertain Significance.